The following is an entry in ClinVar:

ClinVar aggregate classification (germline): Likely benign. Review status: criteria provided, multiple submitters, no conflicts (2 of 4 stars). 2 submissions from 2 submitters: Likely benign (2). Last evaluated 2020-11-04.

Conditions:
Adenylosuccinate lyase deficiency (ADSLD). Also called: ADSL DEFICIENCY. Identifiers: Orphanet 46, MedGen C0268126, MONDO:0007068, OMIM 103050.

Allele frequency attached by ClinVar (database versions not stated): gnomAD exomes below 0.00001; TOPMed 0.00003; gnomAD 0.00004; ESP Exome Variant Server 0.00008.
gnomAD v4.1: 6 of 1,600,546 alleles (0.00037%); highest among the groups gnomAD compares: African/African-American, 0.008%; no homozygotes.

Submissions (2):

Labcorp Genetics (formerly Invitae), Labcorp
Classification: Likely benign for Adenylosuccinate lyase deficiency. Last evaluated: 2020-11-04. Review status: criteria provided, single submitter. Criteria: Invitae Variant Classification Sherloc (09022015). Collection method: clinical testing. Allele origin: germline.

GeneDx
Classification: Likely benign. Last evaluated: 2016-12-09. Review status: criteria provided, single submitter. Criteria: GeneDx Variant Classification (06012015). Collection method: clinical testing. Allele origin: germline. Affected: yes.
Comment: This variant is considered likely benign or benign based on one or more of the following criteria: it is a conservative change, it occurs at a poorly conserved position in the protein, it is predicted to be benign by multiple in silico algorithms, and/or has population frequency not consistent with disease.

NM_000026.4(ADSL):c.153+7G>A

Gene: ADSL (adenylosuccinate lyase; plus strand). Cytogenetic location: 22q13.1.
Variant type: single nucleotide variant.
Coding change: c.153+7G>A on transcript NM_000026.4 (MANE Select); 7 bases into the intron after coding-DNA position 153, G replaced by A.
Molecular consequence: intron variant.
Genome position (GRCh38, 1-based): chr22:40,346,718, G>A. VCF-style: chr22-40346718-G-A. GRCh37 (hg19) VCF-style: chr22-40742722-G-A.
Other names: c.153+7G>A (NM_001363840.3, NM_001123378.3); c.-40+62G>A (NM_001317923.2).
Identifiers: ClinVar variation 391633 (VCV000391633.8), dbSNP rs376477242, ClinGen allele CA10247618.